The following is an entry in ClinVar:

ClinVar aggregate classification (germline): Uncertain significance (1 of 4 stars; one submission).

Conditions:
Tumor predisposition syndrome 3 (TPDS3). Also called: Melanoma, cutaneous malignant, susceptibility to, 10; LONG TELOMERE SYNDROME, POT1-RELATED; POT1 Tumor Predisposition; Glioma susceptibility 9. Identifiers: Orphanet 618, MedGen C4014476, MONDO:0014368, OMIM 615848.

Submission:

Labcorp Genetics (formerly Invitae), Labcorp
Classification: Uncertain significance for Tumor predisposition syndrome 3. Last evaluated: 2023-11-15. Review status: criteria provided, single submitter. Criteria: Invitae Variant Classification Sherloc (09022015). Collection method: clinical testing. Allele origin: germline.
Comment: This sequence change replaces valine, which is neutral and non-polar, with aspartic acid, which is acidic and polar, at codon 222 of the POT1 protein (p.Val222Asp). This variant is not present in population databases (gnomAD no frequency). This variant has not been reported in the literature in individuals affected with POT1-related conditions. Advanced modeling of protein sequence and biophysical properties (such as structural, functional, and spatial information, amino acid conservation, physicochemical variation, residue mobility, and thermodynamic stability) performed at Invitae indicates that this missense variant is not expected to disrupt POT1 protein function with a negative predictive value of 80%. In summary, the available evidence is currently insufficient to determine the role of this variant in disease. Therefore, it has been classified as a Variant of Uncertain Significance.

NM_015450.3(POT1):c.665T>A (p.Val222Asp)

Gene: POT1 (protection of telomeres 1; minus strand). Cytogenetic location: 7q31.33.
Variant type: single nucleotide variant.
Coding change: c.665T>A on transcript NM_015450.3 (MANE Select); coding-DNA position 665, T replaced by A.
Protein change: p.Val222Asp; replaces valine 222 with aspartic acid.
Molecular consequence: missense variant. On other transcripts: non-coding transcript variant (3).
Genome position (GRCh38, 1-based): chr7:124,858,994, A>T on the plus strand (T>A on the coding strand, the complement: POT1 is on the minus strand). VCF-style: chr7-124858994-A-T. GRCh37 (hg19) VCF-style: chr7-124499048-A-T.
Other names: c.272T>A, p.Val91Asp (NM_001042594.2); short protein forms V222D, V91D.
Identifiers: ClinVar variation 2821143 (VCV002821143.3), dbSNP rs2116525478, ClinGen allele CA369056150.